The following is an entry in ClinVar:

NM_000059.4(BRCA2):c.3668A>T (p.His1223Leu)

Gene: BRCA2 (BRCA2 DNA repair associated; plus strand). Cytogenetic location: 13q13.1.
Variant type: single nucleotide variant.
Coding change: c.3668A>T on transcript NM_000059.4 (MANE Select); coding-DNA position 3668, A replaced by T.
Protein change: p.His1223Leu; replaces histidine 1223 with leucine.
Molecular consequence: missense variant. On other transcripts: non-coding transcript variant (1), intron variant (2).
Genome position (GRCh38, 1-based): chr13:32,338,023, A>T. VCF-style: chr13-32338023-A-T. GRCh37 (hg19) VCF-style: chr13-32912160-A-T.
Other names: c.3668A>T, p.His1223Leu (NM_001406719.1, NM_001406720.1); c.1909+4636A>T (NM_001406721.1); c.425-6535A>T (NM_001406722.1); short protein forms H1223L.
Identifiers: ClinVar variation 3071456 (VCV003071456.1), dbSNP rs398122768, ClinGen allele CA387777987.

ClinVar aggregate classification (germline): Uncertain significance (1 of 4 stars; one submission).

Conditions:
Breast-ovarian cancer, familial, susceptibility to, 2 (BROVCA2). Also called: BRCA2 Hereditary Breast and Ovarian Cancer. Identifiers: Orphanet 145, MedGen C2675520, MONDO:0012933, OMIM 612555. Disease mechanism: loss of function.

Submission:

All of Us Research Program, National Institutes of Health
Classification: Uncertain significance for Breast-ovarian cancer, familial, susceptibility to, 2. Last evaluated: 2023-06-27. Review status: criteria provided, single submitter. Criteria: ACMG Guidelines, 2015. Collection method: clinical testing. Allele origin: germline. Inheritance: Autosomal dominant inheritance. Observed: 1 variant allele, 1 heterozygote.
Comment: This study involves interpretation of variants in research participants for the purpose of population health screening. Participant phenotype was not available at the time of variant classification. Additional details can be found in publication PMID: 35346344, PMCID: PMC8962531